The following is an entry in ClinVar:

NM_024675.4(PALB2):c.1220A>G (p.Glu407Gly)

Gene: PALB2 (partner and localizer of BRCA2; minus strand). Cytogenetic location: 16p12.2.
Variant type: single nucleotide variant.
Coding change: c.1220A>G on transcript NM_024675.4 (MANE Select); coding-DNA position 1220, A replaced by G.
Protein change: p.Glu407Gly; replaces glutamic acid 407 with glycine.
Molecular consequence: missense variant.
Genome position (GRCh38, 1-based): chr16:23,635,326, T>C on the plus strand (A>G on the coding strand, the complement: PALB2 is on the minus strand). VCF-style: chr16-23635326-T-C. GRCh37 (hg19) VCF-style: chr16-23646647-T-C.
Other names: short protein forms E407G.
Identifiers: ClinVar variation 818622 (VCV000818622.15), dbSNP rs1597096676, ClinGen allele CA395133128.

ClinVar aggregate classification (germline): Uncertain significance. Review status: criteria provided, multiple submitters, no conflicts (2 of 4 stars). 2 submissions from 2 submitters: Uncertain significance (2). Last evaluated 2023-12-12.

Conditions:
Hereditary cancer-predisposing syndrome. Also called: Tumor predisposition; Hereditary neoplastic syndrome; Neoplastic Syndromes, Hereditary; Hereditary Cancer Syndrome. Identifiers: Orphanet 140162, MedGen C0027672, MeSH D009386, MONDO:0015356.
Familial cancer of breast. Also called: hereditary breast carcinoma; Hereditary breast cancer; BREAST CANCER, FAMILIAL. Identifiers: Orphanet 227535, MedGen C0346153, MONDO:0016419, OMIM 114480. Disease mechanism: loss of function.

Allele frequency attached by ClinVar (database versions not stated): gnomAD exomes below 0.00001.
gnomAD v4.1: 4 of 1,614,108 alleles (0.00025%); highest among the groups gnomAD compares: Middle Eastern, 0.016%; no homozygotes.

Submissions (2):

Labcorp Genetics (formerly Invitae), Labcorp
Classification: Uncertain significance for Familial cancer of breast. Last evaluated: 2023-12-12. Review status: criteria provided, single submitter. Criteria: Invitae Variant Classification Sherloc (09022015). Collection method: clinical testing. Allele origin: germline.
Comment: This sequence change replaces glutamic acid, which is acidic and polar, with glycine, which is neutral and non-polar, at codon 407 of the PALB2 protein (p.Glu407Gly). This variant is not present in population databases (gnomAD no frequency). This variant has not been reported in the literature in individuals affected with PALB2-related conditions. ClinVar contains an entry for this variant (Variation ID: 818622). Advanced modeling of protein sequence and biophysical properties (such as structural, functional, and spatial information, amino acid conservation, physicochemical variation, residue mobility, and thermodynamic stability) performed at Invitae indicates that this missense variant is expected to disrupt PALB2 protein function with a positive predictive value of 80%. In summary, the available evidence is currently insufficient to determine the role of this variant in disease. Therefore, it has been classified as a Variant of Uncertain Significance.

Ambry Genetics
Classification: Uncertain significance for Hereditary cancer-predisposing syndrome. Last evaluated: 2019-02-22. Review status: criteria provided, single submitter. Criteria: Ambry Variant Classification Scheme 2023. Collection method: clinical testing. Allele origin: germline.
Comment: The p.E407G variant (also known as c.1220A>G), located in coding exon 4 of the PALB2 gene, results from an A to G substitution at nucleotide position 1220. The glutamic acid at codon 407 is replaced by glycine, an amino acid with similar properties. This amino acid position is highly conserved in available vertebrate species. In addition, the in silico prediction for this alteration is inconclusive. Since supporting evidence is limited at this time, the clinical significance of this alteration remains unclear.